The following is an entry in ClinVar:

NM_001844.5(COL2A1):c.2933del (p.Gly978fs)

Gene: COL2A1 (collagen type II alpha 1 chain; minus strand). Cytogenetic location: 12q13.11.
Variant type: Deletion.
Coding change: c.2933del on transcript NM_001844.5 (MANE Select); coding-DNA position 2933, one base deleted (G; older notation c.2933delG).
Protein change: p.Gly978fs; shifts the reading frame from glycine 978.
Molecular consequence: frameshift variant.
Genome position (GRCh38, 1-based): chr12:47,978,361, C deleted on the plus strand (G on the coding strand, the reverse complement: COL2A1 is on the minus strand); the first of 2 consecutive C bases (chr12:47,978,361-47,978,362); deleting either gives the same sequence. VCF-style (leftmost placement, unchanged base first): chr12-47978360-AC-A. GRCh37 (hg19) VCF-style: chr12-48372143-AC-A.
Other names: c.2726del, p.Gly909fs (NM_033150.3); short protein forms G978fs, G909fs.
Identifiers: ClinVar variation 854973 (VCV000854973.7), dbSNP rs1938845595, ClinGen allele CA916083301.

ClinVar aggregate classification (germline): Pathogenic (1 of 4 stars; one submission).

Submission:

Labcorp Genetics (formerly Invitae), Labcorp
Classification: Pathogenic. Last evaluated: 2022-07-19. Review status: criteria provided, single submitter. Criteria: Invitae Variant Classification Sherloc (09022015). Collection method: clinical testing. Allele origin: germline.
Comment: This sequence change creates a premature translational stop signal (p.Gly978Valfs*50) in the COL2A1 gene. It is expected to result in an absent or disrupted protein product. Loss-of-function variants in COL2A1 are known to be pathogenic (PMID: 20179744). This variant is not present in population databases (gnomAD no frequency). For these reasons, this variant has been classified as Pathogenic. ClinVar contains an entry for this variant (Variation ID: 854973). This variant has not been reported in the literature in individuals affected with COL2A1-related conditions.

Literature cited by the submitters: PubMed 20179744.